The following is an entry in ClinVar:

ClinVar aggregate classification (germline): Uncertain significance (1 of 4 stars; one submission).

Allele frequency attached by ClinVar (database versions not stated): gnomAD exomes 0.00001; TOPMed 0.00001; gnomAD 0.00002; ExAC 0.00003; ESP Exome Variant Server 0.00015.
gnomAD v4.1: 11 of 1,613,606 alleles (0.00068%); highest among the groups gnomAD compares: African/African-American, 0.0027%; no homozygotes.

Submission:

Labcorp Genetics (formerly Invitae), Labcorp
Classification: Uncertain significance. Last evaluated: 2024-08-05. Review status: criteria provided, single submitter. Criteria: Invitae Variant Classification Sherloc (09022015). Collection method: clinical testing. Allele origin: germline.
Comment: This sequence change replaces threonine, which is neutral and polar, with methionine, which is neutral and non-polar, at codon 412 of the LRRC8A protein (p.Thr412Met). This variant is present in population databases (rs371265409, gnomAD 0.007%). This variant has not been reported in the literature in individuals affected with LRRC8A-related conditions. ClinVar contains an entry for this variant (Variation ID: 1905308). An algorithm developed to predict the effect of missense changes on protein structure and function (PolyPhen-2) suggests that this variant is likely to be disruptive. In summary, the available evidence is currently insufficient to determine the role of this variant in disease. Therefore, it has been classified as a Variant of Uncertain Significance.

NM_019594.4(LRRC8A):c.1235C>T (p.Thr412Met)

Gene: LRRC8A (leucine rich repeat containing 8 VRAC subunit A; plus strand). Cytogenetic location: 9q34.11.
Variant type: single nucleotide variant.
Coding change: c.1235C>T on transcript NM_019594.4 (MANE Select); coding-DNA position 1235, C replaced by T.
Protein change: p.Thr412Met; replaces threonine 412 with methionine.
Molecular consequence: missense variant.
Genome position (GRCh38, 1-based): chr9:128,908,399, C>T. VCF-style: chr9-128908399-C-T. GRCh37 (hg19) VCF-style: chr9-131670678-C-T.
Other names: c.1235C>T, p.Thr412Met (NM_001127244.2, NM_001127245.2); short protein forms T412M.
Identifiers: ClinVar variation 1905308 (VCV001905308.5), dbSNP rs371265409, ClinGen allele CA5270853.